The following is an entry in ClinVar:

ClinVar aggregate classification (germline): Uncertain significance. Review status: criteria provided, multiple submitters, no conflicts (2 of 4 stars). 2 submissions from 2 submitters: Uncertain significance (2). Last evaluated 2020-07-23.

Conditions:
Hereditary cancer-predisposing syndrome. Also called: Tumor predisposition; Hereditary Cancer Syndrome; Neoplastic Syndromes, Hereditary; Hereditary neoplastic syndrome. Identifiers: Orphanet 140162, MedGen C0027672, MeSH D009386, MONDO:0015356.

Allele frequency attached by ClinVar (database versions not stated): gnomAD exomes below 0.00001.

Submissions (2):

Labcorp Genetics (formerly Invitae), Labcorp
Classification: Uncertain significance for Hereditary cancer-predisposing syndrome. Last evaluated: 2020-07-23. Review status: criteria provided, single submitter. Criteria: Invitae Variant Classification Sherloc (09022015). Collection method: clinical testing. Allele origin: germline.
Comment: Algorithms developed to predict the effect of missense changes on protein structure and function (SIFT, PolyPhen-2, Align-GVGD) all suggest that this variant is likely to be tolerated, but these predictions have not been confirmed by published functional studies and their clinical significance is uncertain. This variant has not been reported in the literature in individuals with RAD50-related conditions. ClinVar contains an entry for this variant (Variation ID: 822193). This variant is not present in population databases (ExAC no frequency). This sequence change replaces leucine with valine at codon 370 of the RAD50 protein (p.Leu370Val). The leucine residue is highly conserved and there is a small physicochemical difference between leucine and valine. Algorithms developed to predict the effect of sequence changes on RNA splicing suggest that this variant may create or strengthen a splice site, but this prediction has not been confirmed by published transcriptional studies. In summary, the available evidence is currently insufficient to determine the role of this variant in disease. Therefore, it has been classified as a Variant of Uncertain Significance.

Ambry Genetics
Classification: Uncertain significance for Hereditary cancer-predisposing syndrome. Last evaluated: 2018-10-27. Review status: criteria provided, single submitter. Criteria: Ambry Variant Classification Scheme 2023. Collection method: clinical testing. Allele origin: germline.
Comment: The p.L370V variant (also known as c.1108T>G), located in coding exon 8 of the RAD50 gene, results from a T to G substitution at nucleotide position 1108. The leucine at codon 370 is replaced by valine, an amino acid with highly similar properties. This amino acid position is highly conserved through mammals but not in all available vertebrate species. In addition, this alteration is predicted to be tolerated by in silico analysis. Since supporting evidence is limited at this time, the clinical significance of this alteration remains unclear.

NM_005732.4(RAD50):c.1108T>G (p.Leu370Val)

Gene: RAD50 (RAD50 double strand break repair protein; plus strand). Cytogenetic location: 5q31.1.
Variant type: single nucleotide variant.
Coding change: c.1108T>G on transcript NM_005732.4 (MANE Select); coding-DNA position 1108, T replaced by G.
Protein change: p.Leu370Val; replaces leucine 370 with valine.
Molecular consequence: missense variant.
Genome position (GRCh38, 1-based): chr5:132,588,743, T>G. VCF-style: chr5-132588743-T-G. GRCh37 (hg19) VCF-style: chr5-131924435-T-G.
Other names: short protein forms L370V.
Identifiers: ClinVar variation 822193 (VCV000822193.13), dbSNP rs1580992753, ClinGen allele CA360942361.